The following is an entry in ClinVar:

NM_001035.3(RYR2):c.13411G>A (p.Gly4471Arg)

Gene: RYR2 (ryanodine receptor 2; plus strand). Cytogenetic location: 1q43.
Variant type: single nucleotide variant.
Coding change: c.13411G>A on transcript NM_001035.3 (MANE Select); coding-DNA position 13411, G replaced by A.
Protein change: p.Gly4471Arg; replaces glycine 4471 with arginine.
Molecular consequence: missense variant.
Genome position (GRCh38, 1-based): chr1:237,788,070, G>A. VCF-style: chr1-237788070-G-A. GRCh37 (hg19) VCF-style: chr1-237951370-G-A.
Other names: p.G4471R:GGA>AGA; c.13411G>A, p.Gly4471Arg (LRG_402t1); short protein forms G4471R.
Identifiers: ClinVar variation 201346 (VCV000201346.15), dbSNP rs794728797, ClinGen allele CA007888.

ClinVar aggregate classification (germline): Uncertain significance. Review status: criteria provided, multiple submitters, no conflicts (2 of 4 stars). 2 submissions from 2 submitters: Uncertain significance (2). Last evaluated 2024-09-15.

Conditions:
Catecholaminergic polymorphic ventricular tachycardia 1. Also called: RYR2-Related Catecholaminergic Polymorphic Ventricular Tachycardia; VENTRICULAR TACHYCARDIA, CATECHOLAMINERGIC POLYMORPHIC, 1, WITH OR WITHOUT ATRIAL DYSFUNCTION AND/OR DILATED CARDIOMYOPATHY; VENTRICULAR TACHYCARDIA, STRESS-INDUCED POLYMORPHIC 1. Identifiers: Orphanet 3286, MedGen C1631597, MONDO:0011484, OMIM 604772.

Allele frequency attached by ClinVar (database versions not stated): gnomAD exomes below 0.00001 and 0.00001; gnomAD 0.00002; TOPMed 0.00002.
gnomAD v4.1: 11 of 1,611,916 alleles (0.00068%); highest among the groups gnomAD compares: Admixed American, 0.0033%; no homozygotes.

Submissions (2):

Labcorp Genetics (formerly Invitae), Labcorp
Classification: Uncertain significance for Catecholaminergic polymorphic ventricular tachycardia 1. Last evaluated: 2024-09-15. Review status: criteria provided, single submitter. Criteria: Invitae Variant Classification Sherloc (09022015). Collection method: clinical testing. Allele origin: germline.
Comment: This sequence change replaces glycine, which is neutral and non-polar, with arginine, which is basic and polar, at codon 4471 of the RYR2 protein (p.Gly4471Arg). The frequency data for this variant in the population databases is considered unreliable, as metrics indicate poor data quality at this position in the gnomAD database. This missense change has been observed in individuals with clinical features of RYR2-related conditions (PMID: 24631775, 31112425, 32152366; internal data). ClinVar contains an entry for this variant (Variation ID: 201346). Invitae Evidence Modeling of protein sequence and biophysical properties (such as structural, functional, and spatial information, amino acid conservation, physicochemical variation, residue mobility, and thermodynamic stability) has been performed for this missense variant. However, the output from this modeling did not meet the statistical confidence thresholds required to predict the impact of this variant on RYR2 protein function. In summary, the available evidence is currently insufficient to determine the role of this variant in disease. Therefore, it has been classified as a Variant of Uncertain Significance.

GeneDx
Classification: Uncertain significance. Last evaluated: 2024-02-26. Review status: criteria provided, single submitter. Criteria: GeneDx Variant Classification Process June 2021. Collection method: clinical testing. Allele origin: germline. Affected: yes.
Comment: Identified in at least one case of sudden unexplained death (SUD) in published literature (PMID: 24631775, 29247119); Not observed at significant frequency in large population cohorts (gnomAD); In silico analysis supports that this missense variant does not alter protein structure/function; This variant is associated with the following publications: (PMID: 29247119, 31112425, Alvarado2018, 19926015, 24631775)

Literature cited by the submitters: PubMed 24631775 (cited by Labcorp Genetics (formerly Invitae), Labcorp); PubMed 31112425 (cited by Labcorp Genetics (formerly Invitae), Labcorp); PubMed 32152366 (cited by Labcorp Genetics (formerly Invitae), Labcorp).